The following is an entry in ClinVar:

ClinVar aggregate classification (germline): Conflicting classifications of pathogenicity. Review status: criteria provided, conflicting classifications (1 of 4 stars). 7 submissions from 7 submitters: Uncertain significance (1); Benign (1); Likely benign (4). 1 of the submissions does not count toward it. Last evaluated 2026-02-01.

Conditions:
MHC class II deficiency. Also called: Bare lymphocyte syndrome 2; BLS, TYPE II. Identifiers: Orphanet 572, MedGen C5447452, MONDO:0008855.

Allele frequency attached by ClinVar (database versions not stated): ESP Exome Variant Server 0.00015; gnomAD 0.00029 and 0.00044; gnomAD exomes 0.00040 and 0.00071; TOPMed 0.00040; ExAC 0.00066; 1000 Genomes Project 0.00120; 1000 Genomes Project 30x 0.00141.
gnomAD v4.1: 666 of 1,609,958 alleles (0.041%); highest among the groups gnomAD compares: South Asian, 0.33%; 1 homozygote.

Submissions (7):

Labcorp Genetics (formerly Invitae), Labcorp
Classification: Benign for MHC class II deficiency. Last evaluated: 2026-02-01. Review status: criteria provided, single submitter. Criteria: Invitae Variant Classification Sherloc (09022015). Collection method: clinical testing. Allele origin: germline.

Genomic Medicine Center of Excellence, King Faisal Specialist Hospital and Research Centre
Classification: Likely benign. Last evaluated: 2025-08-18. Review status: criteria provided, single submitter. Criteria: ACMG Guidelines, 2015. Collection method: clinical testing. Allele origin: germline.

Blueprint Genetics
Classification: Uncertain significance. Last evaluated: 2024-09-30. Review status: criteria provided, single submitter. Criteria: ACMG Guidelines, 2015. Collection method: clinical testing. Allele origin: germline.

Fulgent Genetics
Classification: Likely benign for MHC class II deficiency 1. Last evaluated: 2022-03-31. Review status: criteria provided, single submitter. Criteria: ACMG Guidelines, 2015. Collection method: clinical testing. Allele origin: unknown.

GeneDx
Classification: Likely benign. Last evaluated: 2019-07-24. Review status: criteria provided, single submitter. Criteria: GeneDx Variant Classification Process June 2021. Collection method: clinical testing. Allele origin: germline. Affected: yes.
Comment: See Variant Classification Assertion Criteria.

Illumina Laboratory Services, Illumina
Classification: Likely benign for MHC class II deficiency 1. Last evaluated: 2018-01-13. Review status: criteria provided, single submitter. Criteria: ICSL Variant Classification Criteria 13 December 2019. Collection method: clinical testing. Allele origin: germline.
Comment: This variant was observed in the ICSL laboratory as part of a predisposition screen in an ostensibly healthy population. It had not been previously curated by ICSL or reported in the Human Gene Mutation Database (HGMD: prior to June 1st, 2018), and was therefore a candidate for classification through an automated scoring system. Utilizing variant allele frequency, disease prevalence and penetrance estimates, and inheritance mode, an automated score was calculated to assess if this variant is too frequent to cause the disease. Based on the score and internal cut-off values, a variant classified as likely benign is not then subjected to further curation. The score for this variant resulted in a classification of likely benign for this disease.

Biochemical Molecular Genetic Laboratory, King Abdulaziz Medical City
Classification: Uncertain significance for MHC class II deficiency 1. Last evaluated: 2019-09-26. Review status: no assertion criteria provided. Collection method: clinical testing. Allele origin: germline. Affected: yes. Not counted in ClinVar's aggregate classification.

NM_003721.4(RFXANK):c.188-11C>T

Gene: RFXANK (regulatory factor X associated ankyrin containing protein; plus strand). Cytogenetic location: 19p13.11.
Variant type: single nucleotide variant.
Coding change: c.188-11C>T on transcript NM_003721.4 (MANE Select); 11 bases into the intron before coding-DNA position 188, C replaced by T.
Molecular consequence: intron variant.
Genome position (GRCh38, 1-based): chr19:19,196,952, C>T. VCF-style: chr19-19196952-C-T. GRCh37 (hg19) VCF-style: chr19-19307761-C-T.
Other names: c.188-11C>T (NM_001278727.2, NM_001370238.1, NM_001370233.1 and 1 more transcripts); c.188-14C>T (NM_134440.3, NM_001370235.1, NM_001370237.1 and 2 more transcripts).
Identifiers: ClinVar variation 800993 (VCV000800993.17), dbSNP rs201545133, ClinGen allele CA9322633.
Genomic context (GRCh38, chr19:19,196,952, plus strand): 5'-GATGGGCTTCTGTCCTGAAGCCTCAGAGACATCTACTGAGGGGAAACTGACGCCTGTTGT[C>T]TGTTTCCCAGCAGGCAGCTCCCTGAAGCACTCCACCACTCTCACCAACCGGCAGCGAGGG-3'